The following is an entry in ClinVar:

NM_001256317.3(TMPRSS3):c.-51-7G>C

Gene: TMPRSS3 (transmembrane serine protease 3; minus strand). Cytogenetic location: 21q22.3.
Variant type: single nucleotide variant.
Coding change: c.-51-7G>C on transcript NM_001256317.3 (MANE Select); 7 bases into the intron before 51 bases upstream of the start codon, G replaced by C.
Molecular consequence: intron variant.
Genome position (GRCh38, 1-based): chr21:42,395,475, C>G on the plus strand (G>C on the coding strand, the complement: TMPRSS3 is on the minus strand). VCF-style: chr21-42395475-C-G. GRCh37 (hg19) VCF-style: chr21-43815584-C-G.
Other names: c.-51-7G>C (NM_024022.4, NM_032405.2).
Identifiers: ClinVar variation 46091 (VCV000046091.13), dbSNP rs4920100, ClinGen allele CA137669.

ClinVar aggregate classification (germline): Benign. Review status: criteria provided, multiple submitters, no conflicts (2 of 4 stars). 4 submissions from 4 submitters: Benign (4). Last evaluated 2018-06-29.

Conditions:
Autosomal recessive nonsyndromic hearing loss 8 (DFNB8). Also called: Deafness, autosomal recessive 10; NEUROSENSORY NONSYNDROMIC RECESSIVE DEAFNESS 8. Identifiers: Orphanet 90636, MedGen C1832827, MONDO:0010987, OMIM 601072.

Allele frequency attached by ClinVar (database versions not stated): gnomAD 0.02415; 1000 Genomes Project 30x 0.03841; TOPMed 0.02788; 1000 Genomes Project 0.03514.
gnomAD v4.1: 38,400 of 1,404,954 alleles (2.7%); highest among the groups gnomAD compares: Admixed American, 22%; 2,054 homozygotes.

Submissions (4):

GeneDx
Classification: Benign. Last evaluated: 2018-06-29. Review status: criteria provided, single submitter. Criteria: GeneDx Variant Classification Process June 2021. Collection method: clinical testing. Allele origin: germline. Affected: yes.

Illumina Laboratory Services, Illumina
Classification: Benign for Autosomal recessive nonsyndromic hearing loss 8. Last evaluated: 2018-01-13. Review status: criteria provided, single submitter. Criteria: ICSL Variant Classification Criteria 13 December 2019. Collection method: clinical testing. Allele origin: germline.
Comment: This variant was observed in the ICSL laboratory as part of a predisposition screen in an ostensibly healthy population. It had not been previously curated by ICSL or reported in the Human Gene Mutation Database (HGMD: prior to June 1st, 2018), and was therefore a candidate for classification through an automated scoring system. Utilizing variant allele frequency, disease prevalence and penetrance estimates, and inheritance mode, an automated score was calculated to assess if this variant is too frequent to cause the disease. Based on the score and internal cut-off values, a variant classified as benign is not then subjected to further curation. The score for this variant resulted in a classification of benign for this disease.

Laboratory for Molecular Medicine, Mass General Brigham Personalized Medicine
Classification: Benign. Last evaluated: 2011-11-01. Review status: criteria provided, single submitter. Criteria: LMM Criteria. Collection method: clinical testing. Allele origin: germline. Observed: 4 variant alleles.
Comment: -51-7G>C in intron 1 of TMPRSS3: This variant is not expected to have clinical s ignificance because it does not predict divergence from the splicing consensus s equence and has been identified in 1.7% (22/1294) of chromosomes from a broad po pulation (dbSNP rs4920100).

Breakthrough Genomics
Classification: Benign. Review status: criteria provided, single submitter. Criteria: ACMG Guidelines, 2015. Collection method: not provided. Allele origin: germline. Inheritance: Autosomal recessive inheritance. Affected: yes.